The following is an entry in ClinVar:

NM_001369268.1(ACAN):c.6571G>T (p.Ala2191Ser)

Gene: ACAN (aggrecan; plus strand). Cytogenetic location: 15q26.1.
Variant type: single nucleotide variant.
Coding change: c.6571G>T on transcript NM_001369268.1 (MANE Select); coding-DNA position 6571, G replaced by T.
Protein change: p.Ala2191Ser; replaces alanine 2191 with serine.
Molecular consequence: missense variant.
Genome position (GRCh38, 1-based): chr15:88,859,156, G>T. VCF-style: chr15-88859156-G-T. GRCh37 (hg19) VCF-style: chr15-89402387-G-T.
Other names: c.6571G>T, p.Ala2191Ser (NM_001135.4, NM_001411096.1, NM_001411097.1 and 1 more transcripts); short protein forms A2191S.
Identifiers: ClinVar variation 2590654 (VCV002590654.4), dbSNP rs377558109, ClinGen allele CA7720441.

ClinVar aggregate classification (germline): Uncertain significance. Review status: criteria provided, multiple submitters, no conflicts (2 of 4 stars). 2 submissions from 2 submitters: Uncertain significance (2). Last evaluated 2025-10-01.

Conditions:
Inborn genetic diseases. Identifiers: MedGen C0950123, MeSH D030342.

Allele frequency attached by ClinVar (database versions not stated): gnomAD 0.00010; ESP Exome Variant Server 0.00016; gnomAD exomes 0.00017; ExAC 0.00004; TOPMed 0.00008.
gnomAD v4.1: 256 of 1,613,708 alleles (0.016%); highest among the groups gnomAD compares: Non-Finnish European, 0.021%; no homozygotes.

Submissions (2):

Ambry Genetics
Classification: Uncertain significance for Inborn genetic diseases. Last evaluated: 2025-10-01. Review status: criteria provided, single submitter. Criteria: Ambry Variant Classification Scheme 2023. Collection method: clinical testing. Allele origin: germline.

Women's Health and Genetics/Laboratory Corporation of America, LabCorp
Classification: Uncertain significance. Last evaluated: 2025-06-18. Review status: criteria provided, single submitter. Criteria: LabCorp Variant Classification Summary - May 2015. Collection method: clinical testing. Allele origin: germline.
Comment: Variant summary: ACAN c.6571G>T (p.Ala2191Ser) results in a conservative amino acid change in the encoded protein sequence. Algorithms developed to predict the effect of missense changes on protein structure and function all suggest that this variant is likely to be tolerated. The variant allele was found at a frequency of 6.4e-05 in 249088 control chromosomes (gnomAD). This frequency is not significantly higher than estimated for a pathogenic variant in ACAN causing ACAN-Related Disorders, allowing no conclusion about variant significance. To our knowledge, no occurrence of c.6571G>T in individuals affected with ACAN-Related Disorders and no experimental evidence demonstrating its impact on protein function have been reported. ClinVar contains an entry for this variant (Variation ID: 2590654). Based on the evidence outlined above, the variant was classified as uncertain significance.